The following is an entry in ClinVar:

NM_000038.6(APC):c.8389_8406del (p.Thr2798_Ser2803del)

Gene: APC (APC regulator of Wnt signaling pathway; plus strand). Cytogenetic location: 5q22.2.
Variant type: Deletion.
Coding change: c.8389_8406del on transcript NM_000038.6 (MANE Select); coding-DNA positions 8389 to 8406, 18 bases deleted (AGCACTTCAGCTCGGCCA).
Protein change: p.Thr2798_Ser2803del.
Molecular consequence: non-coding transcript variant (on NR_176365.1).
Genome position (GRCh38, 1-based): chr5:112,843,983-112,844,000, AGCACTTCAGCTCGGCCA deleted. VCF-style (leftmost placement, unchanged base first): chr5-112843982-TAGCACTTCAGCTCGGCCA-T. GRCh37 (hg19) VCF-style: chr5-112179679-TAGCACTTCAGCTCGGCCA-T.
Other names: c.8389_8406del, p.Thr2798_Ser2803del (NM_001127510.3, NM_001354895.2, NM_001407450.1); c.8335_8352del, p.Thr2780_Ser2785del (NM_001127511.3); c.8443_8460del, p.Thr2816_Ser2821del (NM_001354896.2, NM_001407447.1, NM_001407448.1 and 1 more transcripts); c.8419_8436del, p.Thr2808_Ser2813del (NM_001354897.2); c.8314_8331del, p.Thr2773_Ser2778del (NM_001354898.2); c.8305_8322del, p.Thr2770_Ser2775del (NM_001354899.2); c.8266_8283del, p.Thr2757_Ser2762del (NM_001354900.2); c.8212_8229del, p.Thr2739_Ser2744del (NM_001354901.2, NM_001407453.1); and 11 more.
Identifiers: ClinVar variation 3928083 (VCV003928083.1).

ClinVar aggregate classification (germline): Uncertain significance (1 of 4 stars; one submission).

Conditions:
Hereditary cancer-predisposing syndrome. Also called: Hereditary Cancer Syndrome; Hereditary neoplastic syndrome; Neoplastic Syndromes, Hereditary; Tumor predisposition. Identifiers: Orphanet 140162, MedGen C0027672, MeSH D009386, MONDO:0015356.

Submission:

Ambry Genetics
Classification: Uncertain significance for Hereditary cancer-predisposing syndrome. Last evaluated: 2025-04-02. Review status: criteria provided, single submitter. Criteria: Ambry Variant Classification Scheme 2023. Collection method: clinical testing. Allele origin: germline.
Comment: The c.8389_8406del18 variant (also known as p.T2798_S2803del) is located in coding exon 15 of the APC gene. This variant results from an in-frame AGCACTTCAGCTCGGCCA deletion at nucleotide positions 8389 to 8406. This results in the in-frame deletion of six amino acids at codons 2798 to 2803. This amino acid region is not well conserved in available vertebrate species. In addition, the in silico prediction for this alteration is inconclusive (Choi Y et al. PLoS ONE. 2012; 7(10):e46688). Based on the available evidence, the clinical significance of this variant remains unclear.